The following is an entry in ClinVar:

ClinVar aggregate classification (germline): Uncertain significance (1 of 4 stars; one submission).

Conditions:
Chédiak-Higashi syndrome (CHS). Also called: Chediak-Higashi Syndrome. Identifiers: Orphanet 167, MedGen C0007965, MONDO:0008963, OMIM 214500.

Allele frequency attached by ClinVar (database versions not stated): TOPMed 0.00001; gnomAD 0.00002; gnomAD exomes 0.00004.
gnomAD v4.1: 61 of 1,613,220 alleles (0.0038%); highest among the groups gnomAD compares: Non-Finnish European, 0.0048%; no homozygotes.

Submission:

Labcorp Genetics (formerly Invitae), Labcorp
Classification: Uncertain significance for Chédiak-Higashi syndrome. Last evaluated: 2022-08-19. Review status: criteria provided, single submitter. Criteria: Invitae Variant Classification Sherloc (09022015). Collection method: clinical testing. Allele origin: germline.
Comment: This sequence change replaces glutamic acid, which is acidic and polar, with aspartic acid, which is acidic and polar, at codon 1515 of the LYST protein (p.Glu1515Asp). This variant is present in population databases (no rsID available, gnomAD 0.004%). This variant has not been reported in the literature in individuals affected with LYST-related conditions. ClinVar contains an entry for this variant (Variation ID: 580877). Algorithms developed to predict the effect of missense changes on protein structure and function output the following: SIFT: "Tolerated"; PolyPhen-2: "Benign"; Align-GVGD: "Class C0". The aspartic acid amino acid residue is found in multiple mammalian species, which suggests that this missense change does not adversely affect protein function. In summary, the available evidence is currently insufficient to determine the role of this variant in disease. Therefore, it has been classified as a Variant of Uncertain Significance.

NM_000081.4(LYST):c.4545G>C (p.Glu1515Asp)

Gene: LYST (lysosomal trafficking regulator; minus strand). Cytogenetic location: 1q42.3.
Variant type: single nucleotide variant.
Coding change: c.4545G>C on transcript NM_000081.4 (MANE Select); coding-DNA position 4545, G replaced by C.
Protein change: p.Glu1515Asp; replaces glutamic acid 1515 with aspartic acid.
Molecular consequence: missense variant.
Genome position (GRCh38, 1-based): chr1:235,788,844, C>G on the plus strand (G>C on the coding strand, the complement: LYST is on the minus strand). VCF-style: chr1-235788844-C-G. GRCh37 (hg19) VCF-style: chr1-235952144-C-G.
Other names: c.4545G>C, p.Glu1515Asp (NM_001301365.1); short protein forms E1515D.
Identifiers: ClinVar variation 580877 (VCV000580877.8), dbSNP rs992094713, ClinGen allele CA344958533.
Genomic context (GRCh38, chr1:235,788,844, plus strand): 5'-TCCTTCTTCTATGAGTCTTTCACCAGGATTTATGTACTCTGCACCTTCTGGTCTGTCGCT[C>G]TCTATAAGAAAAAGATGTTAGAATGATCAGTAAAATGGTTCGTAACAACTGAGTAGAAAA-3'
Protein context (NP_000072.2, residues 1505-1525): ILPDSSFDGT[Glu1515Asp]SDRPEGAEYI